The following is an entry in ClinVar:

ClinVar aggregate classification (germline): Uncertain significance (1 of 4 stars; one submission).

Conditions:
Schimke immuno-osseous dysplasia (SIOD). Also called: Schimke Immunoosseous Dysplasia. Identifiers: Orphanet 1830, MedGen C0877024, MONDO:0009458, OMIM 242900.

Allele frequency attached by ClinVar (database versions not stated): gnomAD exomes below 0.00001; TOPMed below 0.00001.
gnomAD v4.1: 2 of 1,614,240 alleles (0.00012%); highest among the groups gnomAD compares: Non-Finnish European, 0.000085%; no homozygotes.

Submission:

Labcorp Genetics (formerly Invitae), Labcorp
Classification: Uncertain significance for Schimke immuno-osseous dysplasia. Last evaluated: 2021-12-24. Review status: criteria provided, single submitter. Criteria: Invitae Variant Classification Sherloc (09022015). Collection method: clinical testing. Allele origin: germline.
Comment: This sequence change replaces arginine, which is basic and polar, with glycine, which is neutral and non-polar, at codon 672 of the SMARCAL1 protein (p.Arg672Gly). This variant is not present in population databases (gnomAD no frequency). This variant has not been reported in the literature in individuals affected with SMARCAL1-related conditions. Algorithms developed to predict the effect of missense changes on protein structure and function output the following: SIFT: "Deleterious"; PolyPhen-2: "Benign"; Align-GVGD: "Class C15". The glycine amino acid residue is found in multiple mammalian species, which suggests that this missense change does not adversely affect protein function. In summary, the available evidence is currently insufficient to determine the role of this variant in disease. Therefore, it has been classified as a Variant of Uncertain Significance.

NM_014140.4(SMARCAL1):c.2014A>G (p.Arg672Gly)

Gene: SMARCAL1 (SNF2 related chromatin remodeling annealing helicase 1; plus strand). Cytogenetic location: 2q35.
Variant type: single nucleotide variant.
Coding change: c.2014A>G on transcript NM_014140.4 (MANE Select); coding-DNA position 2014, A replaced by G.
Protein change: p.Arg672Gly; replaces arginine 672 with glycine.
Molecular consequence: missense variant.
Genome position (GRCh38, 1-based): chr2:216,451,008, A>G. VCF-style: chr2-216451008-A-G. GRCh37 (hg19) VCF-style: chr2-217315731-A-G.
Other names: c.2014A>G, p.Arg672Gly (NM_001127207.2); short protein forms R672G.
Identifiers: ClinVar variation 2166779 (VCV002166779.1), dbSNP rs1694439518, ClinGen allele CA350502222.